The following continues an entry in ClinVar:

NM_018480.7(TMEM126B):c.635G>T (p.Gly212Val)

Gene: TMEM126B. ClinVar aggregate classification (germline): Pathogenic/Likely pathogenic. Pathogenic (7); Likely pathogenic (5).

Submission 15 of 15:

Department of Pathology and Laboratory Medicine, Sinai Health System
Classification: Likely pathogenic. Review status: no assertion criteria provided. Collection method: clinical testing. Allele origin: unknown. Affected: yes. Study: The Canadian Open Genetics Repository (COGR). Not counted in ClinVar's aggregate classification.
Comment: The TMEM126B p.G212V variant was identified in the literature in ten patients (eight families) with mitochondrial complex I deficiency; three patients were homozygous for the p.G212V variant and seven patients were compound heterozygous (Alston_2016_PMID: 27374774; SâˆšÂ°nchez-Caballero_2016_PMID:27374773; Theunissen_2017_PMID:29093663). Varying degrees of clinical symptoms were observed, ranging from mild exercise intolerance to muscle weakness causing patients to be wheelchair bound (two compound heterozygotes) and multiorgan involvement manifesting in infancy including respiratory failure, cardiomyopathy and renal acidosis (one homozygote). The variant was identified in dbSNP (ID: rs141542003) and ClinVar (classified as uncertain significance by Genomic Research Center, Shahid Beheshti University of Medical Sciences and as pathogenic by Wellcome Centre for Mitochondrial Research, Newcastle University). The variant was identified in control databases in 295 of 275284 chromosomes at a frequency of 0.001072 increasing the likelihood this could be a low frequency benign variant, however no homozygotes were observed (Genome Aggregation Database March 6, 2019, v2.1.1). The variant was observed in the following populations: European (non-Finnish) in 241 of 127066 chromosomes (freq: 0.001897), Other in 11 of 7042 chromosomes (freq: 0.001562), European (Finnish) in 33 of 24838 chromosomes (freq: 0.001329), African in 4 of 24824 chromosomes (freq: 0.000161), Latino in 5 of 33066 chromosomes (freq: 0.000151) and South Asian in 1 of 28936 chromosomes (freq: 0.000035), but was not observed in the Ashkenazi Jewish or East Asian populations. The p.G212 residue is conserved in mammals but not in more distantly related organisms, and four out of five computational analyses (PolyPhen-2, SIFT, AlignGVGD, BLOSUM, MutationTaster) suggest that the variant may impact the protein; however, this information is not predictive enough to assume pathogenicity. The variant occurs outside of the splicing consensus sequence and in silico or computational prediction software programs (SpliceSiteFinder, MaxEntScan, NNSPLICE, GeneSplicer) do not predict a difference in splicing. Functional studies of patient muscle and fibroblast cell lines demonstrated decreased complex I levels in compound heterozygous patients (Alston_2016_PMID: 27374774). Decreased complex I activity was observed in all homozygous patient muscle cell lines, however decreased OXPHOS capacity or complex I activity and incomplete complex I assembly were observed in only two homozygote fibroblasts while the third homozygote had normal complex I activity in fibroblasts (Alston_2016_PMID: 27374774; Theunissen_2017_PMID:29093663). This data suggests that the p.G212V variant plays a functional role however it does not completely abolish complex I activity and likely leads to a mild phenotype; other factors may influence functional and clinical manifestations. In summary, based on the above information the clinical significance of this variant cannot be determined with certainty at this time although we would lean towards a more pathogenic role for this variant. This variant is classified as likely pathogenic.

Literature cited by the submitters: PubMed 27374773 (cited by 5 submitters); PubMed 27374774 (cited by 6 submitters); PubMed 29093663 (cited by 4 submitters); PubMed 31658717 (cited by 3 submitters); PubMed 27290639 (cited by Laboratory for Molecular Medicine, Mass General Brigham Personalized Medicine and Women's Health and Genetics/Laboratory Corporation of America, LabCorp); PubMed 30369941 (cited by Women's Health and Genetics/Laboratory Corporation of America, LabCorp).